The following is an entry in ClinVar:

ClinVar aggregate classification (germline): Uncertain significance (1 of 4 stars; one submission).

Allele frequency attached by ClinVar (database versions not stated): gnomAD exomes below 0.00001.

Submission:

Labcorp Genetics (formerly Invitae), Labcorp
Classification: Uncertain significance. Last evaluated: 2024-02-17. Review status: criteria provided, single submitter. Criteria: Invitae Variant Classification Sherloc (09022015). Collection method: clinical testing. Allele origin: germline.
Comment: This sequence change replaces threonine, which is neutral and polar, with isoleucine, which is neutral and non-polar, at codon 386 of the SLC1A2 protein (p.Thr386Ile). This variant is not present in population databases (gnomAD no frequency). This variant has not been reported in the literature in individuals affected with SLC1A2-related conditions. ClinVar contains an entry for this variant (Variation ID: 1482105). Advanced modeling of protein sequence and biophysical properties (such as structural, functional, and spatial information, amino acid conservation, physicochemical variation, residue mobility, and thermodynamic stability) performed at Invitae indicates that this missense variant is expected to disrupt SLC1A2 protein function with a positive predictive value of 80%. In summary, the available evidence is currently insufficient to determine the role of this variant in disease. Therefore, it has been classified as a Variant of Uncertain Significance.

NM_004171.4(SLC1A2):c.1157C>T (p.Thr386Ile)

Gene: SLC1A2 (solute carrier family 1 member 2; minus strand). Cytogenetic location: 11p13.
Variant type: single nucleotide variant.
Coding change: c.1157C>T on transcript NM_004171.4 (MANE Select); coding-DNA position 1157, C replaced by T.
Protein change: p.Thr386Ile; replaces threonine 386 with isoleucine.
Molecular consequence: missense variant.
Genome position (GRCh38, 1-based): chr11:35,286,886, G>A on the plus strand (C>T on the coding strand, the complement: SLC1A2 is on the minus strand). VCF-style: chr11-35286886-G-A. GRCh37 (hg19) VCF-style: chr11-35308433-G-A.
Other names: c.1130C>T, p.Thr377Ile (NM_001195728.3, NM_001252652.2); short protein forms T377I, T386I.
Identifiers: ClinVar variation 1482105 (VCV001482105.8), dbSNP rs2134718690, ClinGen allele CA380123081.